The following is an entry in ClinVar:

ClinVar aggregate classification (germline): Benign. Review status: criteria provided, single submitter (1 of 4 stars). 2 submissions from 2 submitters: Benign (1). 1 of the submissions does not count toward it. Last evaluated 2025-07-29.

Conditions:
Spondyloepimetaphyseal dysplasia, PAPSS2 type. Also called: BRACHYOLMIA TYPE 4 WITH MILD EPIPHYSEAL AND METAPHYSEAL CHANGES; SPONDYLODYSPLASIA AND PREMATURE PUBARCHE; SEMD, PAKISTANI TYPE. Identifiers: Orphanet 93282, MedGen C2748516, MONDO:0019666, OMIM 612847.
PAPSS2-related disorder. Also called: PAPSS2-related condition.

Allele frequency attached by ClinVar (database versions not stated): gnomAD exomes 0.00004 and 0.00022; gnomAD 0.00014; TOPMed 0.00015; ExAC 0.00019; 1000 Genomes Project 0.00060; 1000 Genomes Project 30x 0.00062.
gnomAD v4.1: 80 of 1,591,432 alleles (0.005%); highest among the groups gnomAD compares: East Asian, 0.17%; no homozygotes.

Submissions (2):

Labcorp Genetics (formerly Invitae), Labcorp
Classification: Benign for Spondyloepimetaphyseal dysplasia, PAPSS2 type. Last evaluated: 2025-07-29. Review status: criteria provided, single submitter. Criteria: Invitae Variant Classification Sherloc (09022015). Collection method: clinical testing. Allele origin: germline.

PreventionGenetics, part of Exact Sciences
Classification: Likely benign for PAPSS2-related condition. Last evaluated: 2019-08-20. Review status: no assertion criteria provided. Collection method: clinical testing. Allele origin: germline. Not counted in ClinVar's aggregate classification.
Comment: This variant is classified as likely benign based on ACMG/AMP sequence variant interpretation guidelines (Richards et al. 2015 PMID: 25741868, with internal and published modifications).

NM_001015880.2(PAPSS2):c.754-6T>C

Gene: PAPSS2 (3'-phosphoadenosine 5'-phosphosulfate synthase 2; plus strand). Cytogenetic location: 10q23.31.
Variant type: single nucleotide variant.
Coding change: c.754-6T>C on transcript NM_001015880.2 (MANE Select); 6 bases into the intron before coding-DNA position 754, T replaced by C.
Molecular consequence: intron variant.
Genome position (GRCh38, 1-based): chr10:87,715,726, T>C. VCF-style: chr10-87715726-T-C. GRCh37 (hg19) VCF-style: chr10-89475483-T-C.
Other names: c.754-6T>C (NM_004670.4, NM_004670.3).
Identifiers: ClinVar variation 1598699 (VCV001598699.10), dbSNP rs202210032, ClinGen allele CA5589554.